The following is an entry in ClinVar:

NM_182982.3(GRK4):c.322A>C (p.Arg108=)

Gene: GRK4 (G protein-coupled receptor kinase 4; plus strand). Cytogenetic location: 4p16.3.
Variant type: single nucleotide variant.
Coding change: c.322A>C on transcript NM_182982.3 (MANE Select); coding-DNA position 322, A replaced by C.
Protein change: p.Arg108=; no amino-acid change (arginine 108 retained).
Molecular consequence: synonymous variant. On other transcripts: 5 prime UTR variant (1).
Genome position (GRCh38, 1-based): chr4:2,992,275, A>C. VCF-style: chr4-2992275-A-C. GRCh37 (hg19) VCF-style: chr4-2994002-A-C.
Other names: c.226A>C, p.Arg76= (NM_001004056.2, NM_005307.3); c.322A>C, p.Arg108= (NM_001004057.2); c.-225A>C (NM_001350173.2).
Identifiers: ClinVar variation 2654591 (VCV002654591.24), dbSNP rs142478577, ClinGen allele CA2822501.

ClinVar aggregate classification (germline): Likely benign (1 of 4 stars; one submission).

Allele frequency attached by ClinVar (database versions not stated): 1000 Genomes Project 0.00140; 1000 Genomes Project 30x 0.00141; gnomAD 0.00217; TOPMed 0.00235; ESP Exome Variant Server 0.00246; gnomAD exomes 0.00268; ExAC 0.00280.
gnomAD v4.1: 4,284 of 1,603,298 alleles (0.27%); highest among the groups gnomAD compares: Middle Eastern, 0.71%; 21 homozygotes.

Submission:

CeGaT Center for Human Genetics Tuebingen
Classification: Likely benign. Last evaluated: 2022-12-01. Review status: criteria provided, single submitter. Criteria: CeGaT Center For Human Genetics Tuebingen Variant Classification Criteria Version 2. Collection method: clinical testing. Allele origin: germline. Affected: yes. Observed: 1 variant allele.
Comment: GRK4: BP4, BP7, BS2